The following is an entry in ClinVar:

ClinVar aggregate classification (germline): Benign/Likely benign. Review status: criteria provided, multiple submitters, no conflicts (2 of 4 stars). 5 submissions from 5 submitters: Benign (2); Likely benign (3). Last evaluated 2026-01-05.

Conditions:
Arrhythmogenic right ventricular dysplasia 2. Identifiers: MedGen C1832931.
Catecholaminergic polymorphic ventricular tachycardia 1. Also called: RYR2-Related Catecholaminergic Polymorphic Ventricular Tachycardia; VENTRICULAR TACHYCARDIA, CATECHOLAMINERGIC POLYMORPHIC, 1, WITH OR WITHOUT ATRIAL DYSFUNCTION AND/OR DILATED CARDIOMYOPATHY; VENTRICULAR TACHYCARDIA, STRESS-INDUCED POLYMORPHIC 1. Identifiers: Orphanet 3286, MedGen C1631597, MONDO:0011484, OMIM 604772.
Ventricular arrhythmias due to cardiac ryanodine receptor calcium release deficiency syndrome. Also called: Autosomal dominant cardiac arrhythmia (Kuhn). Identifiers: MedGen C5542154, MONDO:0020745, OMIM 115000.

Allele frequency attached by ClinVar (database versions not stated): TOPMed 0.00026; gnomAD 0.00030 and 0.00032; gnomAD exomes 0.00033 and 0.00039; ESP Exome Variant Server 0.00034; ExAC 0.00041.
gnomAD v4.1: 620 of 1,612,334 alleles (0.038%); highest among the groups gnomAD compares: South Asian, 0.053%; 1 homozygote.

Submissions (5):

Labcorp Genetics (formerly Invitae), Labcorp
Classification: Likely benign for Catecholaminergic polymorphic ventricular tachycardia 1. Last evaluated: 2026-01-05. Review status: criteria provided, single submitter. Criteria: Invitae Variant Classification Sherloc (09022015). Collection method: clinical testing. Allele origin: germline.

Women's Health and Genetics/Laboratory Corporation of America, LabCorp
Classification: Benign. Last evaluated: 2025-01-22. Review status: criteria provided, single submitter. Criteria: LabCorp Variant Classification Summary - May 2015. Collection method: clinical testing. Allele origin: germline.

Blueprint Genetics
Classification: Likely benign. Last evaluated: 2024-08-19. Review status: criteria provided, single submitter. Criteria: ACMG Guidelines, 2015. Collection method: clinical testing. Allele origin: germline.

Fulgent Genetics
Classification: Likely benign for Ventricular arrhythmias due to cardiac ryanodine receptor calcium release deficiency syndrome; Catecholaminergic polymorphic ventricular tachycardia 1. Last evaluated: 2021-08-23. Review status: criteria provided, single submitter. Criteria: ACMG Guidelines, 2015. Collection method: clinical testing. Allele origin: unknown.

GeneDx
Classification: Benign. Last evaluated: 2015-06-23. Review status: criteria provided, single submitter. Criteria: GeneDx Variant Classification (06012015). Collection method: clinical testing. Allele origin: germline. Affected: yes.
Comment: This variant is considered likely benign or benign based on one or more of the following criteria: it is a conservative change, it occurs at a poorly conserved position in the protein, it is predicted to be benign by multiple in silico algorithms, and/or has population frequency not consistent with disease.

NM_001035.3(RYR2):c.1292+19G>A

Gene: RYR2 (ryanodine receptor 2; plus strand). Cytogenetic location: 1q43.
Variant type: single nucleotide variant.
Coding change: c.1292+19G>A on transcript NM_001035.3 (MANE Select); 19 bases into the intron after coding-DNA position 1292, G replaced by A.
Molecular consequence: intron variant.
Genome position (GRCh38, 1-based): chr1:237,445,541, G>A. VCF-style: chr1-237445541-G-A. GRCh37 (hg19) VCF-style: chr1-237608841-G-A.
Other names: c.1292+19G>A (LRG_402t1).
Identifiers: ClinVar variation 378485 (VCV000378485.14), dbSNP rs368198276, ClinGen allele CA085259.